The following is an entry in ClinVar:

ClinVar aggregate classification (germline): Uncertain significance (1 of 4 stars; one submission).

Submission:

GeneDx
Classification: Uncertain significance. Last evaluated: 2026-04-11. Review status: criteria provided, single submitter. Criteria: GeneDx Variant Classification Process June 2021. Collection method: clinical testing. Allele origin: germline.
Comment: Not observed at significant frequency in large population cohorts (gnomAD); In silico analysis suggests that this missense variant does not alter protein structure/function; Has not been previously published as pathogenic or benign to our knowledge

NM_003482.4(KMT2D):c.15029C>G (p.Ala5010Gly)

Gene: KMT2D (lysine methyltransferase 2D; minus strand). Cytogenetic location: 12q13.12.
Variant type: single nucleotide variant.
Coding change: c.15029C>G on transcript NM_003482.4 (MANE Select); coding-DNA position 15029, C replaced by G.
Protein change: p.Ala5010Gly; replaces alanine 5010 with glycine.
Molecular consequence: missense variant.
Genome position (GRCh38, 1-based): chr12:49,026,937, G>C on the plus strand (C>G on the coding strand, the complement: KMT2D is on the minus strand). VCF-style: chr12-49026937-G-C. GRCh37 (hg19) VCF-style: chr12-49420720-G-C.
Other names: short protein forms A5010G.
Identifiers: ClinVar variation 5037073 (VCV005037073.1).